The following is an entry in ClinVar:

ClinVar aggregate classification (germline): Pathogenic. Review status: criteria provided, multiple submitters, no conflicts (2 of 4 stars). 6 submissions from 6 submitters: Pathogenic (5). 1 of the submissions does not count toward it. Last evaluated 2025-11-12.

Conditions:
Osteogenesis imperfecta type I (OI1). Also called: Lobstein's Disease; Lobstein disease; Osteogenesis imperfecta type 1; Classic Non-deforming Osteogenesis Imperfecta with Blue Sclerae; OI, TYPE I; OSTEOGENESIS IMPERFECTA TARDA. Identifiers: Orphanet 216796, Orphanet 666, MedGen C0023931, MONDO:0008146, OMIM 166200. Disease mechanism: loss of function.

Submissions (6):

Labcorp Genetics (formerly Invitae), Labcorp
Classification: Pathogenic for Osteogenesis imperfecta type I. Last evaluated: 2025-11-12. Review status: criteria provided, single submitter. Criteria: Invitae Variant Classification Sherloc (09022015). Collection method: clinical testing. Allele origin: germline.
Comment: This sequence change creates a premature translational stop signal (p.Gly1190Valfs*49) in the COL1A1 gene. It is expected to result in an absent or disrupted protein product. Loss-of-function variants in COL1A1 are known to be pathogenic (PMID: 7942841, 9295084, 9443882). This variant is not present in population databases (gnomAD no frequency). This premature translational stop signal has been observed in individuals with osteogenesis imperfecta (PMID: 24311407, 27510842). ClinVar contains an entry for this variant (Variation ID: 282016). For these reasons, this variant has been classified as Pathogenic.

Clinical Biomedical Laboratory, Shriners Hospital For Children - Canada
Classification: Pathogenic for Osteogenesis imperfecta type I. Last evaluated: 2025-06-18. Review status: criteria provided, single submitter. Criteria: ACMG Guidelines, 2015. Collection method: clinical testing. Allele origin: germline. Affected: yes.
Comment: This variant causes a frameshift in COL1A1 and introduces a premature stop codon. This variant has been published in the literature (PMID 25944380). In the Genome Aggregation Database (gnomAD v2.1.1) this variant is not present, indicating it is rare. Variants that introduce stop codons in COL1A1 lead to degradation of the affected transcript and haploinsufficiency of the alpha 1 chain of collagen type I. COL1A1 haploinsufficiency is a typical cause of OI type I.

GeneDx
Classification: Pathogenic. Last evaluated: 2024-07-08. Review status: criteria provided, single submitter. Criteria: GeneDx Variant Classification Process June 2021. Collection method: clinical testing. Allele origin: germline. Affected: yes.
Comment: Frameshift variant predicted to result in protein truncation or nonsense mediated decay in a gene for which loss of function is a known mechanism of disease; At least one adult has been reported with additional features of joint hypermobility, kyphosis, progressive mitral and aortic regurgitation, and severe cardiac tissue friability (PMID: 24311407); Not observed at significant frequency in large population cohorts (gnomAD); This variant is associated with the following publications: (PMID: 27510842, 29150909, 24311407, 34008892)

Laboratory of Medical Genetics, National & Kapodistrian University of Athens
Classification: Pathogenic for Osteogenesis imperfecta type I. Last evaluated: 2021-10-01. Review status: criteria provided, single submitter. Criteria: ACMG Guidelines, 2015. Collection method: clinical testing. Allele origin: unknown. Affected: yes.
Comment: PVS1, PM1, PM2, PP5

Eurofins Ntd Llc (ga)
Classification: Pathogenic. Last evaluated: 2015-08-06. Review status: criteria provided, single submitter. Criteria: EGL Classification Definitions 2015. Collection method: clinical testing. Allele origin: germline. Observed: 1 variant allele, 1 heterozygote.

Department of Medical Sciences, Uppsala University
Classification: Pathogenic for OI type I. Review status: no assertion criteria provided. Collection method: clinical testing. Allele origin: paternal. Affected: yes. Observed: 1 variant allele. Not counted in ClinVar's aggregate classification.

Literature cited by the submitters: PubMed 7942841 (cited by Labcorp Genetics (formerly Invitae), Labcorp); PubMed 9295084 (cited by Labcorp Genetics (formerly Invitae), Labcorp); PubMed 9443882 (cited by Labcorp Genetics (formerly Invitae), Labcorp); PubMed 24311407 (cited by Labcorp Genetics (formerly Invitae), Labcorp); PubMed 27510842 (cited by Labcorp Genetics (formerly Invitae), Labcorp); PubMed 25944380 (cited by Clinical Biomedical Laboratory, Shriners Hospital For Children - Canada and Department of Medical Sciences, Uppsala University); PubMed 34008892 (cited by Laboratory of Medical Genetics, National & Kapodistrian University of Athens).

NM_000088.4(COL1A1):c.3567del (p.Gly1190fs)

Gene: COL1A1 (collagen type I alpha 1 chain; minus strand). Cytogenetic location: 17q21.33.
Variant type: Deletion.
Coding change: c.3567del on transcript NM_000088.4 (MANE Select); coding-DNA position 3567, one base deleted (T; older notation c.3567delT).
Protein change: p.Gly1190fs; shifts the reading frame from glycine 1190.
Molecular consequence: frameshift variant.
Genome position (GRCh38, 1-based): chr17:50,186,887, A deleted on the plus strand (T on the coding strand, the reverse complement: COL1A1 is on the minus strand). VCF-style (leftmost placement, unchanged base first): chr17-50186886-CA-C. GRCh37 (hg19) VCF-style: chr17-48264247-CA-C.
Other names: c.3567del, p.Gly1190fs (LRG_1t1); c.3567delT (NM_000088.3); c.3567del (NM_000088.3); short protein forms G1190fs.
Identifiers: ClinVar variation 282016 (VCV000282016.17), dbSNP rs886042286, ClinGen allele CA10604035.